The following is an entry in ClinVar:

NM_001126108.2(SLC12A3):c.539_543del (p.Thr180fs)

Gene: SLC12A3 (solute carrier family 12 member 3; plus strand). Cytogenetic location: 16q13.
Variant type: Deletion.
Coding change: c.539_543del on transcript NM_001126108.2 (MANE Select); coding-DNA positions 539 to 543, 5 bases deleted (CGGTG; older notation c.539_543delCGGTG).
Protein change: p.Thr180fs; shifts the reading frame from threonine 180.
Molecular consequence: frameshift variant.
Genome position (GRCh38, 1-based): chr16:56,869,762-56,869,766, CGGTG deleted. VCF-style (leftmost placement, unchanged base first): chr16-56869761-ACGGTG-A. GRCh37 (hg19) VCF-style: chr16-56903673-ACGGTG-A.
Other names: c.539_543del, p.Thr180fs (NM_000339.3); c.536_540del, p.Thr179fs (NM_001126107.2); short protein forms T179fs, T180fs.
Identifiers: ClinVar variation 946546 (VCV000946546.11), dbSNP rs1246662762, ClinGen allele CA622333567.
Genomic context (GRCh38, chr16:56,869,761, plus strand): 5'-CTGCCTAAGCTTTGGGTGCCCCCTGCAGTCCTGACCTGGATCATCATCCTGCTGTCGGTC[ACGGTG>A]ACCTCCATCACAGGCCTCTCCATCTCAGCCATCTCCACCAATGGCAAGGTCAAGTCAGGT-3'

ClinVar aggregate classification (germline): Pathogenic. Review status: criteria provided, single submitter (1 of 4 stars). 2 submissions from 2 submitters: Pathogenic (1). 1 of the submissions does not count toward it. Last evaluated 2023-10-17.

Conditions:
Familial hypokalemia-hypomagnesemia (GTLMNS). Also called: gitelman syndrome; POTASSIUM AND MAGNESIUM DEPLETION; HYPOMAGNESEMIA-HYPOKALEMIA, PRIMARY RENOTUBULAR, WITH HYPOCALCIURIA. Identifiers: Orphanet 358, MedGen C0268450, MONDO:0009904, OMIM 263800.

Allele frequency attached by ClinVar (database versions not stated): gnomAD exomes below 0.00001; gnomAD 0.00001; TOPMed 0.00001.

Submissions (2):

Labcorp Genetics (formerly Invitae), Labcorp
Classification: Pathogenic. Last evaluated: 2023-10-17. Review status: criteria provided, single submitter. Criteria: Invitae Variant Classification Sherloc (09022015). Collection method: clinical testing. Allele origin: germline.
Comment: This sequence change creates a premature translational stop signal (p.Thr180Asnfs*77) in the SLC12A3 gene. It is expected to result in an absent or disrupted protein product. Loss-of-function variants in SLC12A3 are known to be pathogenic (PMID: 20848653, 22009145, 25841442). This variant is present in population databases (no rsID available, gnomAD 0.0009%). This premature translational stop signal has been observed in individual(s) with Gitelman syndrome (PMID: 21415153). ClinVar contains an entry for this variant (Variation ID: 946546). Algorithms developed to predict the effect of sequence changes on RNA splicing suggest that this variant may disrupt the consensus splice site. For these reasons, this variant has been classified as Pathogenic.

Natera, Inc.
Classification: Pathogenic for Gitelman syndrome. Last evaluated: 2020-05-29. Review status: no assertion criteria provided. Collection method: clinical testing. Allele origin: germline. Not counted in ClinVar's aggregate classification.

Literature cited by the submitters: PubMed 20848653 (cited by Labcorp Genetics (formerly Invitae), Labcorp); PubMed 22009145 (cited by Labcorp Genetics (formerly Invitae), Labcorp); PubMed 25841442 (cited by Labcorp Genetics (formerly Invitae), Labcorp); PubMed 21415153 (cited by Labcorp Genetics (formerly Invitae), Labcorp).